The following is an entry in ClinVar:

NM_001284401.2(TAMM41):c.806dup (p.Asn269fs)

Gene: TAMM41 (TAM41 mitochondrial translocator assembly and maintenance homolog). Cytogenetic location: 3p25.2.
Variant type: Duplication.
Coding change: c.806dup on transcript NM_001284401.2 (MANE Select); coding-DNA position 806, one base duplicated.
Protein change: p.Asn269fs; shifts the reading frame from asparagine 269.
Molecular consequence: frameshift variant. On other transcripts: non-coding transcript variant (8).
Genome position: GRCh38 VCF-style: chr3-11809584-G-GT. GRCh37 (hg19) VCF-style: chr3-11851058-G-GT.
Other names: c.683dup, p.Asn228fs (NM_001321294.2); c.308dup, p.Asn103fs (NM_001321295.2); c.806dup, p.Asn269fs (NM_001394474.1, NM_138807.4); short protein forms N103fs, N228fs, N269fs.
Identifiers: ClinVar variation 1299474 (VCV001299474.3), dbSNP rs768826552, ClinGen allele CA2256873.
Genomic context (GRCh38, chr3:11,809,584, plus strand): 5'-CACCACATCTCCACAGTCGGGATCATGAGCCACTTGGAATAAAGTTTCTTCCACATCTCT[G>GT]TTTTTTCCAGGAGGGTCCATAATATGATTTATCTGTTGCTGTAAGGTTTTGGGCAATGTC-3'

ClinVar aggregate classification (germline): Pathogenic. Review status: no assertion criteria provided (0 of 4 stars). 2 submissions from 2 submitters: Pathogenic (2). Last evaluated 2022-11-27.

Conditions:
Dysphagia. Identifiers: MedGen C0011168, HP:0002015.
Bilateral ptosis. Identifiers: MedGen C1865916, HP:0001488.
Gastroesophageal reflux. Identifiers: MedGen C4317146, HP:0002020.
Respiratory failure. Identifiers: MedGen C1145670, MONDO:0021113, HP:0002878.
Combined oxidative phosphorylation deficiency 56 (COXPD56). Identifiers: MedGen C5774261, MONDO:0859323, OMIM 620139.

Submissions (2):

OMIM
Classification: Pathogenic for COMBINED OXIDATIVE PHOSPHORYLATION DEFICIENCY 56. Last evaluated: 2022-11-27. Review status: no assertion criteria provided. Collection method: literature only. Allele origin: germline.

Institut IMAGINE, Institut National de la Sante et de la Recherche Medicale
Classification: Pathogenic for Bilateral ptosis; Dysphagia; Gastroesophageal reflux; Respiratory failure. Last evaluated: 2021-08-01. Review status: no assertion criteria provided. Collection method: research. Allele origin: maternal. Affected: yes. Observed: 1 variant allele.
Comment: This variant is in compound heterozygosity with NM_001284401.1:c.329A>G

Literature cited by the submitters: PubMed 35321494 (cited by OMIM).